The following is an entry in ClinVar:

NM_004415.4(DSP):c.8591T>A (p.Phe2864Tyr)

Gene: DSP (desmoplakin; plus strand). Cytogenetic location: 6p24.3.
Variant type: single nucleotide variant.
Coding change: c.8591T>A on transcript NM_004415.4 (MANE Select); coding-DNA position 8591, T replaced by A.
Protein change: p.Phe2864Tyr; replaces phenylalanine 2864 with tyrosine.
Molecular consequence: missense variant.
Genome position (GRCh38, 1-based): chr6:7,585,853, T>A. VCF-style: chr6-7585853-T-A. GRCh37 (hg19) VCF-style: chr6-7586086-T-A.
Other names: c.8591T>A (LRG_423t1); c.6794T>A, p.Phe2265Tyr (NM_001008844.3); c.7262T>A, p.Phe2421Tyr (NM_001319034.2); short protein forms F2864Y, F2421Y, F2265Y.
Identifiers: ClinVar variation 519499 (VCV000519499.5), dbSNP rs1554109334, ClinGen allele CA362695444.

ClinVar aggregate classification (germline): Uncertain significance (1 of 4 stars; one submission).

Conditions:
Cardiovascular phenotype. Identifiers: MedGen CN230736.

Allele frequency attached by ClinVar (database versions not stated): gnomAD exomes below 0.00001.
gnomAD v4.1: 1 of 1,614,072 alleles (0.000062%); highest among the groups gnomAD compares: Non-Finnish European, 0.000085%; no homozygotes.

Submission:

Ambry Genetics
Classification: Uncertain significance for Cardiovascular phenotype. Last evaluated: 2017-08-31. Review status: criteria provided, single submitter. Criteria: Ambry Variant Classification Scheme 2023. Collection method: clinical testing. Allele origin: germline.
Comment: The p.F2864Y variant (also known as c.8591T>A), located in coding exon 24 of the DSP gene, results from a T to A substitution at nucleotide position 8591. The phenylalanine at codon 2864 is replaced by tyrosine, an amino acid with highly similar properties. This amino acid position is not well conserved in available vertebrate species. In addition, this alteration is predicted to be tolerated by in silico analysis. Since supporting evidence is limited at this time, the clinical significance of this alteration remains unclear.